The following is an entry in ClinVar:

NM_000486.6(AQP2):c.770T>C (p.Val257Ala)

Genes: AQP2 (aquaporin 2; plus strand), AQP5-AS1 (AQP5 and AQP2 antisense RNA 2; minus strand). Cytogenetic location: 12q13.12.
Variant type: single nucleotide variant.
Coding change: c.770T>C on transcript NM_000486.6 (MANE Select); coding-DNA position 770, T replaced by C.
Protein change: p.Val257Ala; replaces valine 257 with alanine.
Molecular consequence: missense variant.
Genome position (GRCh38, 1-based): chr12:49,955,562, T>C. VCF-style: chr12-49955562-T-C. GRCh37 (hg19) VCF-style: chr12-50349345-T-C.
Other names: short protein forms V257A.
Identifiers: ClinVar variation 1810642 (VCV001810642.1), dbSNP rs2547999045, ClinGen allele CA384776125.

ClinVar aggregate classification (germline): Uncertain significance (1 of 4 stars; one submission).

Submission:

GeneDx
Classification: Uncertain significance. Last evaluated: 2022-07-05. Review status: criteria provided, single submitter. Criteria: GeneDx Variant Classification Process June 2021. Collection method: clinical testing. Allele origin: germline. Affected: yes.
Comment: Not observed at significant frequency in large population cohorts (gnomAD); In silico analysis supports that this missense variant does not alter protein structure/function; Has not been previously published as pathogenic or benign to our knowledge